The following is an entry in ClinVar:

ClinVar aggregate classification (germline): Uncertain significance (1 of 4 stars; one submission).

Conditions:
Hereditary cancer-predisposing syndrome. Also called: Tumor predisposition; Neoplastic Syndromes, Hereditary; Hereditary Cancer Syndrome; Hereditary neoplastic syndrome. Identifiers: Orphanet 140162, MedGen C0027672, MeSH D009386, MONDO:0015356.

Submission:

Ambry Genetics
Classification: Uncertain significance for Hereditary cancer-predisposing syndrome. Last evaluated: 2024-12-25. Review status: criteria provided, single submitter. Criteria: Ambry Variant Classification Scheme 2023. Collection method: clinical testing. Allele origin: germline.
Comment: The p.W1122L variant (also known as c.3365G>T), located in coding exon 24 of the MSH3 gene, results from a G to T substitution at nucleotide position 3365. The tryptophan at codon 1122 is replaced by leucine, an amino acid with similar properties. This amino acid position is conserved. In addition, the in silico prediction for this alteration is inconclusive. Based on the available evidence, the clinical significance of this variant remains unclear.

NM_002439.5(MSH3):c.3365G>T (p.Trp1122Leu)

Gene: MSH3 (mutS homolog 3; plus strand). Cytogenetic location: 5q14.1.
Variant type: single nucleotide variant.
Coding change: c.3365G>T on transcript NM_002439.5 (MANE Select); coding-DNA position 3365, G replaced by T.
Protein change: p.Trp1122Leu; replaces tryptophan 1122 with leucine.
Molecular consequence: missense variant.
Genome position (GRCh38, 1-based): chr5:80,875,813, G>T. VCF-style: chr5-80875813-G-T. GRCh37 (hg19) VCF-style: chr5-80171632-G-T.
Other names: short protein forms W1122L.
Identifiers: ClinVar variation 3874959 (VCV003874959.1).